The following is an entry in ClinVar:

ClinVar aggregate classification (germline): Benign/Likely benign. Review status: criteria provided, multiple submitters, no conflicts (2 of 4 stars). 3 submissions from 3 submitters: Benign (1); Likely benign (2). Last evaluated 2024-10-29.

Conditions:
Prostate cancer, hereditary, 9 (HPC9). Identifiers: Orphanet 1331, MedGen C1970250, MONDO:0012597, OMIM 610997.
Hereditary cancer-predisposing syndrome. Also called: Hereditary neoplastic syndrome; Neoplastic Syndromes, Hereditary; Tumor predisposition; Hereditary Cancer Syndrome. Identifiers: Orphanet 140162, MedGen C0027672, MeSH D009386, MONDO:0015356.

gnomAD v4.1: 18 of 1,613,308 alleles (0.0011%); highest among the groups gnomAD compares: Non-Finnish European, 0.0015%; no homozygotes.

Submissions (3):

Myriad Genetics, Inc.
Classification: Benign for Prostate cancer, hereditary, 9. Last evaluated: 2024-10-29. Review status: criteria provided, single submitter. Criteria: Myriad Autosomal Dominant, Autosomal Recessive and X-Linked Classification Criteria (2023). Collection method: clinical testing. Allele origin: unknown.
Comment: This variant is considered benign. This variant is a silent/synonymous amino acid change and it is not expected to impact splicing.

Labcorp Genetics (formerly Invitae), Labcorp
Classification: Likely benign. Last evaluated: 2024-06-14. Review status: criteria provided, single submitter. Criteria: Invitae Variant Classification Sherloc (09022015). Collection method: clinical testing. Allele origin: germline.

Ambry Genetics
Classification: Likely benign for Hereditary cancer-predisposing syndrome. Last evaluated: 2021-04-08. Review status: criteria provided, single submitter. Criteria: Ambry Variant Classification Scheme 2023. Collection method: clinical testing. Allele origin: germline.

NM_006361.6(HOXB13):c.177G>T (p.Pro59=)

Gene: HOXB13 (homeobox B13; minus strand). Cytogenetic location: 17q21.32.
Variant type: single nucleotide variant.
Coding change: c.177G>T on transcript NM_006361.6 (MANE Select); coding-DNA position 177, G replaced by T.
Protein change: p.Pro59=; no amino-acid change (proline 59 retained).
Molecular consequence: synonymous variant.
Genome position (GRCh38, 1-based): chr17:48,728,417, C>A on the plus strand (G>T on the coding strand, the complement: HOXB13 is on the minus strand). VCF-style: chr17-48728417-C-A. GRCh37 (hg19) VCF-style: chr17-46805779-C-A.
Identifiers: ClinVar variation 1665529 (VCV001665529.11), dbSNP rs779780541, ClinGen allele CA500502650.